The following is an entry in ClinVar:

NM_175737.4(KLB):c.647A>G (p.Asp216Gly)

Gene: KLB (klotho beta; plus strand). Cytogenetic location: 4p14.
Variant type: single nucleotide variant.
Coding change: c.647A>G on transcript NM_175737.4 (MANE Select); coding-DNA position 647, A replaced by G.
Protein change: p.Asp216Gly; replaces aspartic acid 216 with glycine.
Molecular consequence: missense variant.
Genome position (GRCh38, 1-based): chr4:39,407,596, A>G. VCF-style: chr4-39407596-A-G. GRCh37 (hg19) VCF-style: chr4-39409216-A-G.
Other names: short protein forms D216G.
Identifiers: ClinVar variation 1372277 (VCV001372277.6), dbSNP rs2109815387, ClinGen allele CA356650067.

ClinVar aggregate classification (germline): Uncertain significance (1 of 4 stars; one submission).

Submission:

Labcorp Genetics (formerly Invitae), Labcorp
Classification: Uncertain significance. Last evaluated: 2021-10-30. Review status: criteria provided, single submitter. Criteria: Invitae Variant Classification Sherloc (09022015). Collection method: clinical testing. Allele origin: germline.
Comment: In summary, the available evidence is currently insufficient to determine the role of this variant in disease. Therefore, it has been classified as a Variant of Uncertain Significance. Algorithms developed to predict the effect of sequence changes on RNA splicing suggest that this variant may create or strengthen a splice site. Algorithms developed to predict the effect of missense changes on protein structure and function output the following: SIFT: "Tolerated"; PolyPhen-2: "Benign"; Align-GVGD: "Class C0". The glycine amino acid residue is found in multiple mammalian species, which suggests that this missense change does not adversely affect protein function. This variant has not been reported in the literature in individuals affected with KLB-related conditions. This variant is not present in population databases (gnomAD no frequency). This sequence change replaces aspartic acid, which is acidic and polar, with glycine, which is neutral and non-polar, at codon 216 of the KLB protein (p.Asp216Gly).